The following is an entry in ClinVar:

ClinVar aggregate classification (germline): Uncertain significance (1 of 4 stars; one submission).

Conditions:
Hyperaldosteronism, familial, type IV (HALD4). Also called: FH IV; ALDOSTERONISM, PRIMARY, AND HYPERTENSION. Identifiers: Orphanet 642671, MedGen C4310756, MONDO:0014875, OMIM 617027.
Idiopathic generalized epilepsy. Also called: Generalised epilepsy; EIG. Identifiers: MedGen C0270850, MONDO:0005579, OMIM 600669.

Allele frequency attached by ClinVar (database versions not stated): TOPMed below 0.00001.
gnomAD v4.1: 3 of 1,601,942 alleles (0.00019%); highest among the groups gnomAD compares: Non-Finnish European, 0.00026%; no homozygotes.

Submission:

Labcorp Genetics (formerly Invitae), Labcorp
Classification: Uncertain significance for Idiopathic generalized epilepsy; Hyperaldosteronism, familial, type IV. Last evaluated: 2022-07-06. Review status: criteria provided, single submitter. Criteria: Invitae Variant Classification Sherloc (09022015). Collection method: clinical testing. Allele origin: germline.
Comment: In summary, the available evidence is currently insufficient to determine the role of this variant in disease. Therefore, it has been classified as a Variant of Uncertain Significance. Advanced modeling of protein sequence and biophysical properties (such as structural, functional, and spatial information, amino acid conservation, physicochemical variation, residue mobility, and thermodynamic stability) performed at Invitae indicates that this missense variant is not expected to disrupt CACNA1H protein function. ClinVar contains an entry for this variant (Variation ID: 1519255). This variant has not been reported in the literature in individuals affected with CACNA1H-related conditions. This variant is present in population databases (no rsID available, gnomAD 0.001%). This sequence change replaces aspartic acid, which is acidic and polar, with glutamic acid, which is acidic and polar, at codon 444 of the CACNA1H protein (p.Asp444Glu).

NM_021098.3(CACNA1H):c.1332C>G (p.Asp444Glu)

Gene: CACNA1H (calcium voltage-gated channel subunit alpha1 H; plus strand). Cytogenetic location: 16p13.3.
Variant type: single nucleotide variant.
Coding change: c.1332C>G on transcript NM_021098.3 (MANE Select); coding-DNA position 1332, C replaced by G.
Protein change: p.Asp444Glu; replaces aspartic acid 444 with glutamic acid.
Molecular consequence: missense variant.
Genome position (GRCh38, 1-based): chr16:1,201,782, C>G. VCF-style: chr16-1201782-C-G. GRCh37 (hg19) VCF-style: chr16-1251782-C-G.
Other names: c.1332C>G, p.Asp444Glu (NM_001005407.2); short protein forms D444E.
Identifiers: ClinVar variation 1519255 (VCV001519255.8), dbSNP rs746803902, ClinGen allele CA394160291.
Genomic context (GRCh38, chr16:1,201,782, plus strand): 5'-GACGAAGCAGCGGGAGAGTCAGCTGATGCGGGAGCAGCGGGCACGCCACCTGTCCAACGA[C>G]AGCACGCTGGCCAGCTTCTCCGAGCCTGGCAGCTGCTACGAAGAGCTGCTGAAGTACGTG-3'
Protein context (NP_066921.2, residues 434-454): REQRARHLSN[Asp444Glu]STLASFSEPG